The following is an entry in ClinVar:

NM_017612.5(ZCCHC8):c.1936G>A (p.Ala646Thr)

Gene: ZCCHC8 (zinc finger CCHC-type containing 8; minus strand). Cytogenetic location: 12q24.31.
Variant type: single nucleotide variant.
Coding change: c.1936G>A on transcript NM_017612.5 (MANE Select); coding-DNA position 1936, G replaced by A.
Protein change: p.Ala646Thr; replaces alanine 646 with threonine.
Molecular consequence: missense variant.
Genome position (GRCh38, 1-based): chr12:122,473,685, C>T on the plus strand (G>A on the coding strand, the complement: ZCCHC8 is on the minus strand). VCF-style: chr12-122473685-C-T. GRCh37 (hg19) VCF-style: chr12-122958232-C-T.
Other names: c.1705G>A, p.Ala569Thr (NM_001350935.2); c.1639G>A, p.Ala547Thr (NM_001350936.2); c.1222G>A, p.Ala408Thr (NM_001350937.2, NM_001350938.2); short protein forms A569T, A646T, A547T, A408T.
Identifiers: ClinVar variation 3686766 (VCV003686766.2).

ClinVar aggregate classification (germline): Uncertain significance (1 of 4 stars; one submission).

Submission:

Labcorp Genetics (formerly Invitae), Labcorp
Classification: Uncertain significance. Last evaluated: 2024-05-11. Review status: criteria provided, single submitter. Criteria: Invitae Variant Classification Sherloc (09022015). Collection method: clinical testing. Allele origin: germline.
Comment: This sequence change replaces alanine, which is neutral and non-polar, with threonine, which is neutral and polar, at codon 646 of the ZCCHC8 protein (p.Ala646Thr). This variant is present in population databases (no rsID available, gnomAD 0.0009%). This variant has not been reported in the literature in individuals affected with ZCCHC8-related conditions. Advanced modeling of protein sequence and biophysical properties (such as structural, functional, and spatial information, amino acid conservation, physicochemical variation, residue mobility, and thermodynamic stability) performed at Invitae indicates that this missense variant is not expected to disrupt ZCCHC8 protein function with a negative predictive value of 80%. In summary, the available evidence is currently insufficient to determine the role of this variant in disease. Therefore, it has been classified as a Variant of Uncertain Significance.